The following is an entry in ClinVar:

NM_024426.6(WT1):c.448A>G (p.Ser150Gly)

Genes: WT1 (WT1 transcription factor; minus strand), LOC107982234 (WT1/WT1-AS bi-directional promoter region; plus strand). Cytogenetic location: 11p13.
Variant type: single nucleotide variant.
Coding change: c.448A>G on transcript NM_024426.6 (MANE Select); coding-DNA position 448, A replaced by G.
Protein change: p.Ser150Gly; replaces serine 150 with glycine.
Molecular consequence: missense variant. On other transcripts: non-coding transcript variant (1).
Genome position (GRCh38, 1-based): chr11:32,434,913, T>C on the plus strand (A>G on the coding strand, the complement: WT1 is on the minus strand). VCF-style: chr11-32434913-T-C. GRCh37 (hg19) VCF-style: chr11-32456459-T-C.
Other names: c.448A>G, p.Ser150Gly (NM_000378.6, NM_024424.5); short protein forms S150G.
Identifiers: ClinVar variation 968290 (VCV000968290.12), dbSNP rs1853447534, ClinGen allele CA379965066.

ClinVar aggregate classification (germline): Uncertain significance. Review status: criteria provided, multiple submitters, no conflicts (2 of 4 stars). 3 submissions from 3 submitters: Uncertain significance (3). Last evaluated 2026-03-08.

Conditions:
Wilms tumor 1 (WT1). Also called: Wilms tumor, somatic. Identifiers: Orphanet 654, MedGen CN033288, MONDO:0008679, OMIM 194070.
Drash syndrome (DDS). Also called: NEPHROPATHY, WILMS TUMOR, AND GENITAL ANOMALIES; WILMS TUMOR AND PSEUDO- OR TRUE HERMAPHRODITISM. Identifiers: Orphanet 220, MedGen C0950121, MONDO:0008682, OMIM 194080.
Frasier syndrome. Identifiers: Orphanet 347, MedGen C0950122, MeSH D052159, MONDO:0007635, OMIM 136680.
11p partial monosomy syndrome (WAGR). Also called: CHROMOSOME 11p13 DELETION SYNDROME; WAGR Spectrum Disorder; WAGR syndrome; WAGR Complex. Identifiers: Orphanet 893, MedGen C0206115, MONDO:0008681, OMIM 194072.
Inborn genetic diseases. Identifiers: MedGen C0950123, MeSH D030342.

Allele frequency attached by ClinVar (database versions not stated): gnomAD exomes below 0.00001.
gnomAD v4.1: 2 of 1,609,068 alleles (0.00012%); highest among the groups gnomAD compares: Non-Finnish European, 0.00017%; no homozygotes.

Submissions (3):

Ambry Genetics
Classification: Uncertain significance for Inborn genetic diseases. Last evaluated: 2026-03-08. Review status: criteria provided, single submitter. Criteria: Ambry Variant Classification Scheme 2023. Collection method: clinical testing. Allele origin: germline.
Comment: The p.S145G variant (also known as c.433A>G), located in coding exon 1 of the WT1 gene, results from an A to G substitution at nucleotide position 433. The serine at codon 145 is replaced by glycine, an amino acid with similar properties. This amino acid position is conserved. In addition, this alteration is predicted to be tolerated by in silico analysis. Based on the available evidence, the clinical significance of this variant remains unclear.

All of Us Research Program, National Institutes of Health
Classification: Uncertain significance for Wilms tumor 1. Last evaluated: 2024-01-11. Review status: criteria provided, single submitter. Criteria: ACMG Guidelines, 2015. Collection method: clinical testing. Allele origin: germline. Inheritance: Autosomal dominant inheritance. Observed: 1 variant allele, 1 heterozygote.
Comment: This study involves interpretation of variants in research participants for the purpose of population health screening. Participant phenotype was not available at the time of variant classification. Additional details can be found in publication PMID: 35346344, PMCID: PMC8962531

Labcorp Genetics (formerly Invitae), Labcorp
Classification: Uncertain significance for Wilms tumor 1; Drash syndrome; 11p partial monosomy syndrome; Frasier syndrome. Last evaluated: 2020-06-13. Review status: criteria provided, single submitter. Criteria: Invitae Variant Classification Sherloc (09022015). Collection method: clinical testing. Allele origin: germline.
Comment: In summary, the available evidence is currently insufficient to determine the role of this variant in disease. Therefore, it has been classified as a Variant of Uncertain Significance. This sequence change replaces serine with glycine at codon 145 of the WT1 protein (p.Ser145Gly). The serine residue is highly conserved and there is a small physicochemical difference between serine and glycine. This variant is not present in population databases (ExAC no frequency). This variant has not been reported in the literature in individuals with WT1-related conditions. Algorithms developed to predict the effect of missense changes on protein structure and function are either unavailable or do not agree on the potential impact of this missense change (SIFT: "Deleterious"; PolyPhen-2: "Benign"; Align-GVGD: "Class C55").